The following is an entry in ClinVar:

NM_001130144.3(LTBP3):c.2639A>C (p.His880Pro)

Gene: LTBP3 (latent transforming growth factor beta binding protein 3; minus strand). Cytogenetic location: 11q13.1.
Variant type: single nucleotide variant.
Coding change: c.2639A>C on transcript NM_001130144.3 (MANE Select); coding-DNA position 2639, A replaced by C.
Protein change: p.His880Pro; replaces histidine 880 with proline.
Molecular consequence: missense variant.
Genome position (GRCh38, 1-based): chr11:65,541,686, T>G on the plus strand (A>C on the coding strand, the complement: LTBP3 is on the minus strand). VCF-style: chr11-65541686-T-G. GRCh37 (hg19) VCF-style: chr11-65309157-T-G.
Other names: c.2288A>C, p.His763Pro (NM_001164266.1); c.2639A>C, p.His880Pro (NM_021070.4); short protein forms H880P, H763P.
Identifiers: ClinVar variation 3724026 (VCV003724026.2).
Genomic context (GRCh38, chr11:65,541,686, plus strand): 5'-GGAGTGAAGCCCTCATCGCAGACACACACATAGGAGCCCTGAAGGTTCTTGCAGGCCCCA[T>G]GGGGAAGGCACAGGCTCGGGTCCTGGCTGCACTCATCTATGTCTGCGGGGCAAGAGTAGC-3'
Protein context (NP_001123616.1, residues 870-890): CSQDPSLCLP[His880Pro]GACKNLQGSY

ClinVar aggregate classification (germline): Uncertain significance (1 of 4 stars; one submission).

Conditions:
Brachyolmia-amelogenesis imperfecta syndrome. Also called: PLATYSPONDYLY WITH AMELOGENESIS IMPERFECTA; Tooth agenesis, selective, 6; Dental anomalies and short stature. Identifiers: Orphanet 2899, MedGen C1832594, MONDO:0011018, OMIM 601216. Disease mechanism: loss of function.

Submission:

Labcorp Genetics (formerly Invitae), Labcorp
Classification: Uncertain significance for Brachyolmia-amelogenesis imperfecta syndrome. Last evaluated: 2024-10-29. Review status: criteria provided, single submitter. Criteria: Invitae Variant Classification Sherloc (09022015). Collection method: clinical testing. Allele origin: germline.
Comment: This sequence change replaces histidine, which is basic and polar, with proline, which is neutral and non-polar, at codon 880 of the LTBP3 protein (p.His880Pro). This variant is not present in population databases (gnomAD no frequency). This variant has not been reported in the literature in individuals affected with LTBP3-related conditions. An algorithm developed to predict the effect of missense changes on protein structure and function (PolyPhen-2) suggests that this variant is likely to be disruptive. In summary, the available evidence is currently insufficient to determine the role of this variant in disease. Therefore, it has been classified as a Variant of Uncertain Significance.